The following is an entry in ClinVar:

NM_001040716.2(PC):c.1718C>G (p.Ala573Gly)

Gene: PC (pyruvate carboxylase; minus strand). Cytogenetic location: 11q13.2.
Variant type: single nucleotide variant.
Coding change: c.1718C>G on transcript NM_001040716.2 (MANE Select); coding-DNA position 1718, C replaced by G.
Protein change: p.Ala573Gly; replaces alanine 573 with glycine.
Molecular consequence: missense variant.
Genome position (GRCh38, 1-based): chr11:66,852,546, G>C on the plus strand (C>G on the coding strand, the complement: PC is on the minus strand). VCF-style: chr11-66852546-G-C. GRCh37 (hg19) VCF-style: chr11-66620017-G-C.
Other names: c.1718C>G, p.Ala573Gly (NM_000920.4, NM_022172.3); short protein forms A573G.
Identifiers: ClinVar variation 1303467 (VCV001303467.2), dbSNP rs1372423236, ClinGen allele CA381495224.

ClinVar aggregate classification (germline): Uncertain significance (1 of 4 stars; one submission).

Allele frequency attached by ClinVar (database versions not stated): TOPMed 0.00003; gnomAD exomes below 0.00001; gnomAD 0.00002.
gnomAD v4.1: 5 of 1,613,896 alleles (0.00031%); highest among the groups gnomAD compares: Admixed American, 0.0067%; no homozygotes.

Submission:

GeneDx
Classification: Uncertain significance. Last evaluated: 2020-05-29. Review status: criteria provided, single submitter. Criteria: GeneDx Variant Classification Process June 2021. Collection method: clinical testing. Allele origin: germline. Affected: yes.
Comment: Not observed at a significant frequency in large population cohorts (Lek et al., 2016); In silico analysis supports that this missense variant has a deleterious effect on protein structure/function; Has not been previously published as pathogenic or benign to our knowledge